The following is an entry in ClinVar:

ClinVar aggregate classification (germline): Uncertain significance (1 of 4 stars; one submission).

gnomAD v4.1: 1 of 1,578,904 alleles (0.000063%); highest among the groups gnomAD compares: South Asian, 0.0011%; no homozygotes.

Submission:

Labcorp Genetics (formerly Invitae), Labcorp
Classification: Uncertain significance. Last evaluated: 2022-08-31. Review status: criteria provided, single submitter. Criteria: Invitae Variant Classification Sherloc (09022015). Collection method: clinical testing. Allele origin: germline.
Comment: In summary, the available evidence is currently insufficient to determine the role of this variant in disease. Therefore, it has been classified as a Variant of Uncertain Significance. Algorithms developed to predict the effect of missense changes on protein structure and function output the following: SIFT: "Not Available"; PolyPhen-2: "Benign"; Align-GVGD: "Not Available". The asparagine amino acid residue is found in multiple mammalian species, which suggests that this missense change does not adversely affect protein function. ClinVar contains an entry for this variant (Variation ID: 1447446). This variant has not been reported in the literature in individuals affected with RIPK1-related conditions. This variant is not present in population databases (gnomAD no frequency). This sequence change replaces threonine, which is neutral and polar, with asparagine, which is neutral and polar, at codon 532 of the RIPK1 protein (p.Thr532Asn).

NM_001354930.2(RIPK1):c.1595C>A (p.Thr532Asn)

Gene: RIPK1 (receptor interacting serine/threonine kinase 1; plus strand). Cytogenetic location: 6p25.2.
Variant type: single nucleotide variant.
Coding change: c.1595C>A on transcript NM_001354930.2 (MANE Select); coding-DNA position 1595, C replaced by A.
Protein change: p.Thr532Asn; replaces threonine 532 with asparagine.
Molecular consequence: missense variant.
Genome position (GRCh38, 1-based): chr6:3,110,821, C>A. VCF-style: chr6-3110821-C-A. GRCh37 (hg19) VCF-style: chr6-3111055-C-A.
Other names: c.1106C>A, p.Thr369Asn (NM_001317061.3, NM_001354932.2, NM_001354933.2 and 1 more transcripts); c.1457C>A, p.Thr486Asn (NM_001354931.2); c.1595C>A, p.Thr532Asn (NM_003804.6); short protein forms T486N, T532N, T369N.
Identifiers: ClinVar variation 1447446 (VCV001447446.6), dbSNP rs554441687, ClinGen allele CA362576083.